The following is an entry in ClinVar:

NM_000089.4(COL1A2):c.1640G>T (p.Gly547Val)

Gene: COL1A2 (collagen type I alpha 2 chain; plus strand). Cytogenetic location: 7q21.3.
Variant type: single nucleotide variant.
Coding change: c.1640G>T on transcript NM_000089.4 (MANE Select); coding-DNA position 1640, G replaced by T.
Protein change: p.Gly547Val; replaces glycine 547 with valine.
Molecular consequence: missense variant.
Genome position (GRCh38, 1-based): chr7:94,413,922, G>T. VCF-style: chr7-94413922-G-T. GRCh37 (hg19) VCF-style: chr7-94043234-G-T.
Other names: short protein forms G547V.
Identifiers: ClinVar variation 3383074 (VCV003383074.2).

ClinVar aggregate classification (germline): Likely pathogenic (1 of 4 stars; one submission).

Conditions:
Osteogenesis imperfecta, perinatal lethal (OI2). Also called: OI, TYPE II; OSTEOGENESIS IMPERFECTA CONGENITA; Osteogenesis imperfecta, dominant perinatal lethal; VROLIK TYPE OF OSTEOGENESIS IMPERFECTA; Osteogenesis imperfecta type 2; OSTEOGENESIS IMPERFECTA, TYPE II. Identifiers: Orphanet 216804, MedGen C0268358, MONDO:0008147, OMIM 166210.
Osteogenesis imperfecta type III (OI3). Also called: Osteogenesis imperfecta type 3; OI type 3; Osteogenesis imperfecta, progressively deforming with normal sclerae; OI type III; Progressively Deforming Osteogenesis Imperfecta. Identifiers: Orphanet 216812, Orphanet 666, MedGen C0268362, MONDO:0009804, OMIM 259420.
Osteogenesis imperfecta with normal sclerae, dominant form (OI4). Also called: OSTEOGENESIS IMPERFECTA WITH NORMAL SCLERAE; Osteogenesis imperfecta type 4; Osteogenesis Imperfecta Type IV; OSTEOGENESIS IMPERFECTA, TYPE IV, WITH DENTINOGENESIS IMPERFECTA; Common Variable Osteogenesis Imperfecta with Normal Sclerae. Identifiers: Orphanet 216820, Orphanet 666, MedGen C0268363, MONDO:0008148, OMIM 166220.

Submission:

Juno Genomics, Hangzhou Juno Genomics, Inc
Classification: Likely pathogenic for Osteogenesis imperfecta, perinatal lethal; Osteogenesis imperfecta type III; Osteogenesis imperfecta with normal sclerae, dominant form. Review status: criteria provided, single submitter. Criteria: ACMG Guidelines, 2015. Collection method: clinical testing. Allele origin: germline. Affected: yes.
Comment: Multiple lines of computational evidence support a deleterious effect on the gene or gene product (conservation, evolutionary, splicing impact, etc).;Absent from controls (or at extremely low frequency if recessive) in Genome Aggregation Database, Exome Sequencing Project, 1000 Genomes Project, or Exome Aggregation Consortium.;Assumed de novo, but without confirmation of paternity and maternity.;Novel missense change at an amino acid residue where a different missense change determined to be pathogenic has been seen before.